The following is an entry in ClinVar:

ClinVar aggregate classification (germline): Conflicting classifications of pathogenicity. Review status: criteria provided, conflicting classifications (1 of 4 stars). 3 submissions from 3 submitters: Uncertain significance (1); Likely benign (1). 1 of the submissions does not count toward it. Last evaluated 2024-09-27.

Conditions:
TNFRSF1A-related disorder. Also called: TNFRSF1A-related condition.
TNF receptor-associated periodic fever syndrome (TRAPS) (FPF). Also called: TNF RECEPTOR-ASSOCIATED PERIODIC SYNDROME; TUMOR NECROSIS FACTOR RECEPTOR-ASSOCIATED PERIODIC SYNDROME; FAMILIAL HIBERNIAN FEVER; TNF receptor 1-associated periodic fever syndrome; TNF Receptor-Associated Periodic Fever Syndrome; Autosomal Dominant Familial Periodic Fever. Identifiers: Orphanet 32960, MedGen C1275126, MONDO:0007727, OMIM 142680.

gnomAD v4.1: 14 of 1,593,266 alleles (0.00088%); highest among the groups gnomAD compares: Admixed American, 0.0034%; no homozygotes.

Submissions (3):

Labcorp Genetics (formerly Invitae), Labcorp
Classification: Likely benign for TNF receptor-associated periodic fever syndrome (TRAPS). Last evaluated: 2024-09-27. Review status: criteria provided, single submitter. Criteria: Invitae Variant Classification Sherloc (09022015). Collection method: clinical testing. Allele origin: germline.

Illumina Laboratory Services, Illumina
Classification: Uncertain significance for TNF receptor-associated periodic fever syndrome (TRAPS). Last evaluated: 2018-01-13. Review status: criteria provided, single submitter. Criteria: ICSL Variant Classification Criteria 13 December 2019. Collection method: clinical testing. Allele origin: germline.

PreventionGenetics, part of Exact Sciences
Classification: Likely benign for TNFRSF1A-related condition. Last evaluated: 2022-02-09. Review status: no assertion criteria provided. Collection method: clinical testing. Allele origin: germline. Not counted in ClinVar's aggregate classification.
Comment: This variant is classified as likely benign based on ACMG/AMP sequence variant interpretation guidelines (Richards et al. 2015 PMID: 25741868, with internal and published modifications).

NM_001065.4(TNFRSF1A):c.1083C>T (p.Ala361=)

Gene: TNFRSF1A (TNF receptor superfamily member 1A; minus strand). Cytogenetic location: 12p13.31.
Variant type: single nucleotide variant.
Coding change: c.1083C>T on transcript NM_001065.4 (MANE Select); coding-DNA position 1083, C replaced by T.
Protein change: p.Ala361=; no amino-acid change (alanine 361 retained).
Molecular consequence: synonymous variant. On other transcripts: non-coding transcript variant (1).
Genome position (GRCh38, 1-based): chr12:6,329,597, G>A on the plus strand (C>T on the coding strand, the complement: TNFRSF1A is on the minus strand). VCF-style: chr12-6329597-G-A. GRCh37 (hg19) VCF-style: chr12-6438763-G-A.
Other names: c.759C>T, p.Ala253= (NM_001346091.2); c.624C>T, p.Ala208= (NM_001346092.2).
Identifiers: ClinVar variation 756856 (VCV000756856.15), dbSNP rs746923911, ClinGen allele CA6405266.